The following is an entry in ClinVar:

NM_001089.3(ABCA3):c.3139T>A (p.Tyr1047Asn)

Gene: ABCA3 (ATP binding cassette subfamily A member 3; minus strand). Cytogenetic location: 16p13.3.
Variant type: single nucleotide variant.
Coding change: c.3139T>A on transcript NM_001089.3 (MANE Select); coding-DNA position 3139, T replaced by A.
Protein change: p.Tyr1047Asn; replaces tyrosine 1047 with asparagine.
Molecular consequence: missense variant.
Genome position (GRCh38, 1-based): chr16:2,286,833, A>T on the plus strand (T>A on the coding strand, the complement: ABCA3 is on the minus strand). VCF-style: chr16-2286833-A-T. GRCh37 (hg19) VCF-style: chr16-2336834-A-T.
Other names: short protein forms Y1047N.
Identifiers: ClinVar variation 4737657 (VCV004737657.1).
Genomic context (GRCh38, chr16:2,286,833, plus strand): 5'-CGCACAGCAGCTTGAACAGAAGGTTGTCCACGACGGCCAGGGCAGTGGCTGGAGAGTGGT[A>T]CGCCTGGTTGTTGAACAAGGCGTTGACGACCGTGCGCTCTCCCACATCTCTGAAGGACGC-3'
Protein context (NP_001080.2, residues 1037-1057): VVNALFNNQA[Tyr1047Asn]HSPATALAVV

ClinVar aggregate classification (germline): Uncertain significance (1 of 4 stars; one submission).

Submission:

Labcorp Genetics (formerly Invitae), Labcorp
Classification: Uncertain significance. Last evaluated: 2025-05-28. Review status: criteria provided, single submitter. Criteria: Invitae Variant Classification Sherloc (09022015). Collection method: clinical testing. Allele origin: germline.
Comment: This sequence change replaces tyrosine, which is neutral and polar, with asparagine, which is neutral and polar, at codon 1047 of the ABCA3 protein (p.Tyr1047Asn). This variant is not present in population databases (gnomAD no frequency). This missense change has been observed in individual(s) with severe neonatal respiratory failure or childhood interstitial lung disease (PMID: 24871971). Invitae Evidence Modeling of protein sequence and biophysical properties (such as structural, functional, and spatial information, amino acid conservation, physicochemical variation, residue mobility, and thermodynamic stability) indicates that this missense variant is expected to disrupt ABCA3 protein function with a positive predictive value of 80%. In summary, the available evidence is currently insufficient to determine the role of this variant in disease. Therefore, it has been classified as a Variant of Uncertain Significance.

Literature cited by the submitters: PubMed 24871971.